The following is an entry in ClinVar:

NM_006904.7(PRKDC):c.9859C>T (p.Arg3287Trp)

Gene: PRKDC (protein kinase, DNA-activated, catalytic subunit; minus strand). Cytogenetic location: 8q11.21.
Variant type: single nucleotide variant.
Coding change: c.9859C>T on transcript NM_006904.7 (MANE Select); coding-DNA position 9859, C replaced by T.
Protein change: p.Arg3287Trp; replaces arginine 3287 with tryptophan.
Molecular consequence: missense variant.
Genome position (GRCh38, 1-based): chr8:47,803,369, G>A on the plus strand (C>T on the coding strand, the complement: PRKDC is on the minus strand). VCF-style: chr8-47803369-G-A. GRCh37 (hg19) VCF-style: chr8-48715930-G-A.
Other names: c.9859C>T, p.Arg3287Trp (NM_001081640.2); short protein forms R3287W.
Identifiers: ClinVar variation 1493090 (VCV001493090.7), dbSNP rs1415096551, ClinGen allele CA371136606.

ClinVar aggregate classification (germline): Uncertain significance. Review status: criteria provided, multiple submitters, no conflicts (2 of 4 stars). 2 submissions from 2 submitters: Uncertain significance (2). Last evaluated 2026-01-19.

Conditions:
Severe combined immunodeficiency due to DNA-PKcs deficiency. Also called: Immunodeficiency 26 with or without neurologic abnormalities; IMMUNODEFICIENCY 26 WITH NEUROLOGIC ABNORMALITIES. Identifiers: Orphanet 317425, MedGen C4014833, MONDO:0014423, OMIM 615966.

Allele frequency attached by ClinVar (database versions not stated): TOPMed below 0.00001; gnomAD 0.00001; gnomAD exomes 0.00001 and 0.00002.
gnomAD v4.1: 21 of 1,613,868 alleles (0.0013%); highest among the groups gnomAD compares: East Asian, 0.016%; no homozygotes.

Submissions (2):

Labcorp Genetics (formerly Invitae), Labcorp
Classification: Uncertain significance for Severe combined immunodeficiency due to DNA-PKcs deficiency. Last evaluated: 2026-01-19. Review status: criteria provided, single submitter. Criteria: Invitae Variant Classification Sherloc (09022015). Collection method: clinical testing. Allele origin: germline.
Comment: This sequence change replaces arginine, which is basic and polar, with tryptophan, which is neutral and slightly polar, at codon 3287 of the PRKDC protein (p.Arg3287Trp). This variant is present in population databases (no rsID available, gnomAD 0.01%). This variant has not been reported in the literature in individuals affected with PRKDC-related conditions. ClinVar contains an entry for this variant (Variation ID: 1493090). Invitae Evidence Modeling of protein sequence and biophysical properties (such as structural, functional, and spatial information, amino acid conservation, physicochemical variation, residue mobility, and thermodynamic stability) indicates that this missense variant is expected to disrupt PRKDC protein function with a positive predictive value of 80%. In summary, the available evidence is currently insufficient to determine the role of this variant in disease. Therefore, it has been classified as a Variant of Uncertain Significance.

Blueprint Genetics
Classification: Uncertain significance. Last evaluated: 2018-09-20. Review status: criteria provided, single submitter. Criteria: ACMG Guidelines, 2015. Collection method: clinical testing. Allele origin: germline.